The following is an entry in ClinVar:

ClinVar aggregate classification (germline): Uncertain significance (1 of 4 stars; one submission).

Conditions:
Developmental and epileptic encephalopathy, 12 (DEE12). Identifiers: MedGen C3150988, MONDO:0013389, OMIM 613722.

Allele frequency attached by ClinVar (database versions not stated): gnomAD 0.00001; gnomAD exomes 0.00001 and 0.00007; TOPMed 0.00002; ExAC 0.00008.
gnomAD v4.1: 21 of 1,613,858 alleles (0.0013%); highest among the groups gnomAD compares: Admixed American, 0.033%; no homozygotes.

Submission:

Labcorp Genetics (formerly Invitae), Labcorp
Classification: Uncertain significance for Developmental and epileptic encephalopathy, 12. Last evaluated: 2022-07-26. Review status: criteria provided, single submitter. Criteria: Invitae Variant Classification Sherloc (09022015). Collection method: clinical testing. Allele origin: germline.
Comment: This sequence change replaces glutamic acid, which is acidic and polar, with glutamine, which is neutral and polar, at codon 929 of the PLCB1 protein (p.Glu929Gln). This variant is present in population databases (rs758788229, gnomAD 0.05%). This variant has not been reported in the literature in individuals affected with PLCB1-related conditions. ClinVar contains an entry for this variant (Variation ID: 572975). Algorithms developed to predict the effect of missense changes on protein structure and function are either unavailable or do not agree on the potential impact of this missense change (SIFT: "Tolerated"; PolyPhen-2: "Probably Damaging"; Align-GVGD: "Class C0"). In summary, the available evidence is currently insufficient to determine the role of this variant in disease. Therefore, it has been classified as a Variant of Uncertain Significance.

NM_015192.4(PLCB1):c.2785G>C (p.Glu929Gln)

Gene: PLCB1 (phospholipase C beta 1; plus strand). Cytogenetic location: 20p12.3.
Variant type: single nucleotide variant.
Coding change: c.2785G>C on transcript NM_015192.4 (MANE Select); coding-DNA position 2785, G replaced by C.
Protein change: p.Glu929Gln; replaces glutamic acid 929 with glutamine.
Molecular consequence: missense variant.
Genome position (GRCh38, 1-based): chr20:8,765,213, G>C. VCF-style: chr20-8765213-G-C. GRCh37 (hg19) VCF-style: chr20-8745860-G-C.
Other names: c.2785G>C, p.Glu929Gln (NM_182734.3); short protein forms E929Q.
Identifiers: ClinVar variation 572975 (VCV000572975.6), dbSNP rs758788229, ClinGen allele CA9760383.